The following is an entry in ClinVar:

NM_001370298.3(FGD4):c.1798T>C (p.Ser600Pro)

Gene: FGD4 (FYVE, RhoGEF and PH domain containing 4; plus strand). Cytogenetic location: 12p11.21.
Variant type: single nucleotide variant.
Coding change: c.1798T>C on transcript NM_001370298.3 (MANE Select); coding-DNA position 1798, T replaced by C.
Protein change: p.Ser600Pro; replaces serine 600 with proline.
Molecular consequence: missense variant.
Genome position (GRCh38, 1-based): chr12:32,619,746, T>C. VCF-style: chr12-32619746-T-C. GRCh37 (hg19) VCF-style: chr12-32772680-T-C.
Other names: c.1642T>C, p.Ser548Pro (NM_001304481.2); c.643T>C, p.Ser215Pro (NM_001304483.2); c.355T>C, p.Ser119Pro (NM_001304484.2); c.1108T>C, p.Ser370Pro (NM_001330373.2, NM_001330374.2, NM_001384130.1); c.835T>C, p.Ser279Pro (NM_001370297.1); c.1798T>C, p.Ser600Pro (NM_001384126.1); c.1387T>C, p.Ser463Pro (NM_001384127.1, NM_001384128.1, NM_001385118.1 and 1 more transcripts); short protein forms S119P, S215P, S370P, S548P, S600P, S279P, S463P.
Identifiers: ClinVar variation 1495184 (VCV001495184.8), dbSNP rs2136879170, ClinGen allele CA384364234.
Genomic context (GRCh38, chr12:32,619,746, plus strand): 5'-CGTTCCTTGCAGTTCAACAACATGTTGCTGTACTGTGTGCCCAAATTCAGCTTGGTAGGC[T>C]CTAAATTCACAGTTCGAACCAGGGTTGGCATTGATGGAATGAAAATTGTAGAGACTCAAA-3'
Protein context (NP_001357227.2, residues 590-610): YCVPKFSLVG[Ser600Pro]KFTVRTRVGI

ClinVar aggregate classification (germline): Uncertain significance (1 of 4 stars; one submission).

Conditions:
Charcot-Marie-Tooth disease type 4. Also called: Charcot-Marie-Tooth, Type 4; Charcot-Marie-Tooth disease, type IV. Identifiers: Orphanet 64749, MedGen C4082197, MONDO:0018995.

Submission:

Labcorp Genetics (formerly Invitae), Labcorp
Classification: Uncertain significance for Charcot-Marie-Tooth disease type 4. Last evaluated: 2025-12-15. Review status: criteria provided, single submitter. Criteria: Invitae Variant Classification Sherloc (09022015). Collection method: clinical testing. Allele origin: germline.
Comment: This sequence change replaces serine, which is neutral and polar, with proline, which is neutral and non-polar, at codon 463 of the FGD4 protein (p.Ser463Pro). This variant is not present in population databases (gnomAD no frequency). This variant has not been reported in the literature in individuals affected with FGD4-related conditions. ClinVar contains an entry for this variant (Variation ID: 1495184). Invitae Evidence Modeling of protein sequence and biophysical properties (such as structural, functional, and spatial information, amino acid conservation, physicochemical variation, residue mobility, and thermodynamic stability) indicates that this missense variant is not expected to disrupt FGD4 protein function with a negative predictive value of 80%. In summary, the available evidence is currently insufficient to determine the role of this variant in disease. Therefore, it has been classified as a Variant of Uncertain Significance.